The following is an entry in ClinVar:

NM_017739.4(POMGNT1):c.1285-6C>T

Genes: POMGNT1 (protein O-linked mannose N-acetylglucosaminyltransferase 1 (beta 1,2-); minus strand), TSPAN1 (tetraspanin 1; plus strand). Cytogenetic location: 1p34.1.
Variant type: single nucleotide variant.
Coding change: c.1285-6C>T on transcript NM_017739.4 (MANE Select); 6 bases into the intron before coding-DNA position 1285, C replaced by T.
Molecular consequence: intron variant.
Genome position (GRCh38, 1-based): chr1:46,192,442, G>A on the plus strand (C>T on the coding strand, the complement: POMGNT1 is on the minus strand). VCF-style: chr1-46192442-G-A. GRCh37 (hg19) VCF-style: chr1-46658114-G-A.
Other names: c.1285-6C>T (NM_001243766.2, NM_001438686.1, NM_001438688.1 and 3 more transcripts); c.1219-6C>T (NM_001290129.3, NM_001438691.1, NM_001438692.1); c.856-6C>T (NM_001290130.2).
Identifiers: ClinVar variation 211938 (VCV000211938.14), dbSNP rs377292905, ClinGen allele CA208497.
Genomic context (GRCh38, chr1:46,192,442, plus strand): 5'-GCATGGTCTCCACACGGTACAGTAGTGCTGGGTCCTCAGCCGTGTGTTCATACCCCTGGG[G>A]ACAGGGTGCCATAGTGGGAGGTATTAGCTGAGGCCTCATAAACTCGCCTGCTAAACCCTG-3'

ClinVar aggregate classification (germline): Conflicting classifications of pathogenicity. Review status: criteria provided, conflicting classifications (1 of 4 stars). 4 submissions from 4 submitters: Uncertain significance (2); Likely benign (1). 1 of the submissions does not count toward it. Last evaluated 2025-12-29.

Conditions:
Muscular dystrophy-dystroglycanopathy (congenital with impaired intellectual development), type B, 3. Also called: Muscular dystrophy-dystroglycanopathy (congenital with intellectual disability), type B3; MUSCULAR DYSTROPHY, CONGENITAL, POMGNT1-RELATED. Identifiers: MedGen C3150412, MONDO:0013155, OMIM 613151.
Autosomal recessive limb-girdle muscular dystrophy type 2O. Also called: MUSCULAR DYSTROPHY-DYSTROGLYCANOPATHY (LIMB-GIRDLE), TYPE C, 3; Limb-Girdle Muscular Dystrophy Type 3C; MUSCULAR DYSTROPHY-DYSTROGLYCANOPATHY, LIMB-GIRDLE, POMGNT1-RELATED. Identifiers: Orphanet 206564, MedGen C3150417, MONDO:0013161, OMIM 613157.
Muscle eye brain disease (MEB). Also called: Santavuori congenital muscular dystrophy. Identifiers: Orphanet 588, Orphanet 899, MedGen C0457133, MONDO:0018939.

Allele frequency attached by ClinVar (database versions not stated): gnomAD exomes 0.00001 and 0.00005; ExAC 0.00005; gnomAD 0.00009 and 0.00010; TOPMed 0.00014; 1000 Genomes Project 30x 0.00031; ESP Exome Variant Server 0.00038; 1000 Genomes Project 0.00040.
gnomAD v4.1: 38 of 1,614,124 alleles (0.0024%); highest among the groups gnomAD compares: African/African-American, 0.031%; no homozygotes.

Submissions (4):

Labcorp Genetics (formerly Invitae), Labcorp
Classification: Likely benign for Autosomal recessive limb-girdle muscular dystrophy type 2O; Muscular dystrophy-dystroglycanopathy (congenital with impaired intellectual development), type B, 3. Last evaluated: 2025-12-29. Review status: criteria provided, single submitter. Criteria: Invitae Variant Classification Sherloc (09022015). Collection method: clinical testing. Allele origin: germline.

Genetic Services Laboratory, University of Chicago
Classification: Uncertain significance. Last evaluated: 2014-07-08. Review status: criteria provided, single submitter. Criteria: ACMG Guidelines, 2015. Collection method: clinical testing. Allele origin: germline.

Neuberg Centre For Genomic Medicine, NCGM
Classification: Uncertain significance for Autosomal recessive limb-girdle muscular dystrophy type 2O. Review status: criteria provided, single submitter. Criteria: ACMG Guidelines, 2015. Collection method: clinical testing. Allele origin: germline. Inheritance: Autosomal recessive inheritance. Affected: yes.
Comment: The splice site c.1285-6C>T variant has not been reported previously as a pathogenic variant nor as a benign variant, to our knowledge. The variant is observed in 0.004 % alleles in gnomAD Exomes and is novel (not in any individuals) in 1000 Genomes. The variant has been reported in ClinVar as uncertain significance. This sequence change falls in intron 15 of the POMGNT1 gene. It does not directly change the encoded amino acid sequence of the POMGNT1 protein. The available evidence is currently insufficient to determine the role of this variant in disease. For these reasons, it has been classified as a Variant of Uncertain Significance

Natera, Inc.
Classification: Uncertain significance for Muscle-eye-brain disease. Last evaluated: 2019-10-28. Review status: no assertion criteria provided. Collection method: clinical testing. Allele origin: germline. Not counted in ClinVar's aggregate classification.